The following is an entry in ClinVar:

ClinVar aggregate classification (germline): Likely benign (1 of 4 stars; one submission).

gnomAD v4.1: 10 of 1,612,982 alleles (0.00062%); highest among the groups gnomAD compares: Admixed American, 0.0033%; no homozygotes.

Submission:

CeGaT Center for Human Genetics Tuebingen
Classification: Likely benign. Last evaluated: 2026-03-01. Review status: criteria provided, single submitter. Criteria: CeGaT Center For Human Genetics Tuebingen Variant Classification Criteria Version 2. Collection method: clinical testing. Allele origin: germline. Affected: yes. Observed: 1 variant allele.
Comment: DOCK4: BP4

NM_001363540.2(DOCK4):c.3630C>T (p.Arg1210=)

Gene: DOCK4 (dedicator of cytokinesis 4; minus strand). Cytogenetic location: 7q31.1.
Variant type: single nucleotide variant.
Coding change: c.3630C>T on transcript NM_001363540.2 (MANE Select); coding-DNA position 3630, C replaced by T.
Protein change: p.Arg1210=; no amino-acid change (arginine 1210 retained).
Molecular consequence: synonymous variant.
Genome position (GRCh38, 1-based): chr7:111,778,325, G>A on the plus strand (C>T on the coding strand, the complement: DOCK4 is on the minus strand). VCF-style: chr7-111778325-G-A. GRCh37 (hg19) VCF-style: chr7-111418381-G-A.
Other names: c.3603C>T, p.Arg1201= (NM_014705.4).
Identifiers: ClinVar variation 4822741 (VCV004822741.4).